The following is an entry in ClinVar:

ClinVar aggregate classification (germline): Uncertain significance (1 of 4 stars; one submission).

Conditions:
Hereditary cancer-predisposing syndrome. Also called: Hereditary neoplastic syndrome; Neoplastic Syndromes, Hereditary; Tumor predisposition; Hereditary Cancer Syndrome. Identifiers: Orphanet 140162, MedGen C0027672, MeSH D009386, MONDO:0015356.

Submission:

Ambry Genetics
Classification: Uncertain significance for Hereditary cancer-predisposing syndrome. Last evaluated: 2025-08-27. Review status: criteria provided, single submitter. Criteria: Ambry Variant Classification Scheme 2023. Collection method: clinical testing. Allele origin: germline.
Comment: The p.L257F variant (also known as c.769C>T), located in coding exon 9 of the MUTYH gene, results from a C to T substitution at nucleotide position 769. The leucine at codon 257 is replaced by phenylalanine, an amino acid with highly similar properties. This amino acid position is conserved. In addition, this alteration is predicted to be tolerated by in silico analysis. Based on the available evidence, the clinical significance of this variant remains unclear.

NM_001048174.2(MUTYH):c.685C>T (p.Leu229Phe)

Gene: MUTYH (mutY DNA glycosylase; minus strand). Cytogenetic location: 1p34.1.
Variant type: single nucleotide variant.
Coding change: c.685C>T on transcript NM_001048174.2 (MANE Select); coding-DNA position 685, C replaced by T.
Protein change: p.Leu229Phe; replaces leucine 229 with phenylalanine.
Molecular consequence: missense variant. On other transcripts: non-coding transcript variant (7).
Genome position (GRCh38, 1-based): chr1:45,332,410, G>A on the plus strand (C>T on the coding strand, the complement: MUTYH is on the minus strand). VCF-style: chr1-45332410-G-A. GRCh37 (hg19) VCF-style: chr1-45798082-G-A.
Other names: c.685C>T, p.Leu229Phe (NM_001048171.2, NM_001048173.2, NM_001293195.2 and 6 more transcripts); c.688C>T, p.Leu230Phe (NM_001048172.2, NM_001407071.1, NM_001407078.1 and 1 more transcripts); c.769C>T, p.Leu257Phe (NM_001128425.2); c.730C>T, p.Leu244Phe (NM_001293190.2); c.718C>T, p.Leu240Phe (NM_001293191.2, NM_001407069.1, NM_001407077.1); c.409C>T, p.Leu137Phe (NM_001293192.2, NM_001293196.2, NM_001407091.1); c.340C>T, p.Leu114Phe (NM_001350650.2, NM_001350651.2, NM_001407082.1); c.601C>T, p.Leu201Phe (NM_001407075.1); and 5 more; short protein forms L254F, L229F, L230F, L114F, L137F, L201F, L215F, L240F.
Identifiers: ClinVar variation 4113824 (VCV004113824.1).